The following is an entry in ClinVar:

NM_006662.3(SRCAP):c.7853A>G (p.Asn2618Ser)

Gene: SRCAP (Snf2 related CREBBP activator protein; plus strand). Cytogenetic location: 16p11.2.
Variant type: single nucleotide variant.
Coding change: c.7853A>G on transcript NM_006662.3 (MANE Select); coding-DNA position 7853, A replaced by G.
Protein change: p.Asn2618Ser; replaces asparagine 2618 with serine.
Molecular consequence: missense variant.
Genome position (GRCh38, 1-based): chr16:30,737,893, A>G. VCF-style: chr16-30737893-A-G. GRCh37 (hg19) VCF-style: chr16-30749214-A-G.
Other names: short protein forms N2618S.
Identifiers: ClinVar variation 196908 (VCV000196908.40), dbSNP rs144476508, ClinGen allele CA244707.

ClinVar aggregate classification (germline): Conflicting classifications of pathogenicity. Review status: criteria provided, conflicting classifications (1 of 4 stars). 5 submissions from 5 submitters: Uncertain significance (1); Likely benign (4). Last evaluated 2025-11-05.

Conditions:
SRCAP-related disorder. Also called: SRCAP-related condition.

Allele frequency attached by ClinVar (database versions not stated): gnomAD exomes 0.00014 and 0.00033; 1000 Genomes Project 30x 0.00016; 1000 Genomes Project 0.00020; ExAC 0.00028; gnomAD 0.00040 and 0.00044; TOPMed 0.00041; ESP Exome Variant Server 0.00046.
gnomAD v4.1: 267 of 1,614,084 alleles (0.017%); highest among the groups gnomAD compares: Admixed American, 0.092%; no homozygotes.

Submissions (5):

Labcorp Genetics (formerly Invitae), Labcorp
Classification: Likely benign. Last evaluated: 2025-11-05. Review status: criteria provided, single submitter. Criteria: Invitae Variant Classification Sherloc (09022015). Collection method: clinical testing. Allele origin: germline.

PreventionGenetics, part of Exact Sciences
Classification: Likely benign for SRCAP-related condition. Last evaluated: 2025-05-28. Review status: criteria provided, single submitter. Criteria: ACMG Guidelines, 2015. Collection method: clinical testing. Allele origin: germline.
Comment: This variant is classified as likely benign based on ACMG/AMP sequence variant interpretation guidelines (Richards et al. 2015 PMID: 25741868, with internal and published modifications).

Women's Health and Genetics/Laboratory Corporation of America, LabCorp
Classification: Likely benign. Last evaluated: 2024-12-12. Review status: criteria provided, single submitter. Criteria: LabCorp Variant Classification Summary - May 2015. Collection method: clinical testing. Allele origin: germline.
Comment: Variant summary: SRCAP c.7853A>G (p.Asn2618Ser) results in a conservative amino acid change in the encoded protein sequence. Five of five in-silico tools predict a benign effect of the variant on protein function. The variant allele was found at a frequency of 0.00033 in 251402 control chromosomes, predominantly at a frequency of 0.0011 within the Latino subpopulation in the gnomAD database. c.7853A>G has been reported in the literature in individuals affected with non-syndromic cleft lip and/or palate (example: Pengelly_2016). This report however, does do not provide unequivocal conclusions about association of the variant with Floating-Harbor Syndrome. To our knowledge, no experimental evidence demonstrating an impact on protein function has been reported. The following publication has been ascertained in the context of this evaluation (PMID: 27456059). ClinVar contains an entry for this variant (Variation ID: 196908). Based on the evidence outlined above, the variant was classified as likely benign.

CeGaT Center for Human Genetics Tuebingen
Classification: Likely benign. Last evaluated: 2023-04-01. Review status: criteria provided, single submitter. Criteria: CeGaT Center For Human Genetics Tuebingen Variant Classification Criteria Version 2. Collection method: clinical testing. Allele origin: germline. Affected: yes. Observed: 1 variant allele.
Comment: SRCAP: BP4, BS1

Eurofins Ntd Llc (ga)
Classification: Uncertain significance. Last evaluated: 2014-09-17. Review status: criteria provided, single submitter. Criteria: EGL Classification Definitions 2015. Collection method: clinical testing. Allele origin: germline. Observed: 1 variant allele, 1 heterozygote.

Literature cited by the submitters: PubMed 27456059 (cited by Women's Health and Genetics/Laboratory Corporation of America, LabCorp).